The following is an entry in ClinVar:

NM_025074.7(FRAS1):c.2981C>G (p.Ser994Ter)

Gene: FRAS1 (Fraser extracellular matrix complex subunit 1; plus strand). Cytogenetic location: 4q21.21.
Variant type: single nucleotide variant.
Coding change: c.2981C>G on transcript NM_025074.7 (MANE Select); coding-DNA position 2981, C replaced by G.
Protein change: p.Ser994Ter; replaces serine 994 with a stop codon.
Molecular consequence: nonsense.
Genome position (GRCh38, 1-based): chr4:78,372,829, C>G. VCF-style: chr4-78372829-C-G. GRCh37 (hg19) VCF-style: chr4-79293983-C-G.
Other names: c.2981C>G, p.Ser994Ter (NM_001166133.2); short protein forms S994*.
Identifiers: ClinVar variation 2748183 (VCV002748183.3), dbSNP rs2476898160, ClinGen allele CA357373940.

ClinVar aggregate classification (germline): Pathogenic (1 of 4 stars; one submission).

Submission:

Labcorp Genetics (formerly Invitae), Labcorp
Classification: Pathogenic. Last evaluated: 2023-12-20. Review status: criteria provided, single submitter. Criteria: Invitae Variant Classification Sherloc (09022015). Collection method: clinical testing. Allele origin: germline.
Comment: This sequence change creates a premature translational stop signal (p.Ser994*) in the FRAS1 gene. It is expected to result in an absent or disrupted protein product. Loss-of-function variants in FRAS1 are known to be pathogenic (PMID: 12766769, 18671281). This variant is not present in population databases (gnomAD no frequency). This variant has not been reported in the literature in individuals affected with FRAS1-related conditions. For these reasons, this variant has been classified as Pathogenic.

Literature cited by the submitters: PubMed 12766769; PubMed 18671281.